The following is an entry in ClinVar:

NM_000271.5(NPC1):c.3122dup (p.Tyr1041Ter)

Gene: NPC1 (NPC intracellular cholesterol transporter 1; minus strand). Cytogenetic location: 18q11.2.
Variant type: Duplication.
Coding change: c.3122dup on transcript NM_000271.5 (MANE Select); coding-DNA position 3122, one base duplicated (A; older notation c.3122dupA).
Protein change: p.Tyr1041Ter; replaces tyrosine 1041 with a stop codon.
Molecular consequence: nonsense.
Genome position (GRCh38, 1-based): chr18:23,536,796, T duplicated on the plus strand (A on the coding strand, the reverse complement: NPC1 is on the minus strand). VCF-style (leftmost placement, unchanged base first): chr18-23536795-G-GT. GRCh37 (hg19) VCF-style: chr18-21116759-G-GT.
Other names: short protein forms Y1041*.
Identifiers: ClinVar variation 1071500 (VCV001071500.7), dbSNP rs2145357627, ClinGen allele CA2499225060.

ClinVar aggregate classification (germline): Pathogenic (1 of 4 stars; one submission).

Conditions:
Niemann-Pick disease, type C1. Also called: NEUROVISCERAL STORAGE DISEASE WITH VERTICAL SUPRANUCLEAR OPHTHALMOPLEGIA; NIEMANN-PICK DISEASE WITH CHOLESTEROL ESTERIFICATION BLOCK; NIEMANN-PICK DISEASE WITHOUT SPHINGOMYELINASE DEFICIENCY; NIEMANN-PICK DISEASE, CHRONIC NEURONOPATHIC FORM; NIEMANN-PICK DISEASE, VARIANT TYPE C1. Identifiers: Orphanet 646, MedGen C3179455, MONDO:0009757, OMIM 257220.

Submission:

Labcorp Genetics (formerly Invitae), Labcorp
Classification: Pathogenic for Niemann-Pick disease, type C1. Last evaluated: 2020-10-09. Review status: criteria provided, single submitter. Criteria: Invitae Variant Classification Sherloc (09022015). Collection method: clinical testing. Allele origin: germline.
Comment: For these reasons, this variant has been classified as Pathogenic. Loss-of-function variants in NPC1 are known to be pathogenic (PMID: 9211850). This variant has not been reported in the literature in individuals with NPC1-related conditions. This variant is not present in population databases (ExAC no frequency). This sequence change creates a premature translational stop signal (p.Tyr1041*) in the NPC1 gene. It is expected to result in an absent or disrupted protein product.

Literature cited by the submitters: PubMed 9211850.